The following is an entry in ClinVar:

ClinVar aggregate classification (germline): Likely benign (1 of 4 stars; one submission).

gnomAD v4.1: 170 of 1,555,648 alleles (0.011%); highest among the groups gnomAD compares: Middle Eastern, 0.22%; no homozygotes.

Submission:

CeGaT Center for Human Genetics Tuebingen
Classification: Likely benign. Last evaluated: 2025-12-01. Review status: criteria provided, single submitter. Criteria: CeGaT Center For Human Genetics Tuebingen Variant Classification Criteria Version 2. Collection method: clinical testing. Allele origin: germline. Affected: yes. Observed: 1 variant allele.
Comment: DIP2A: BP4, BP7

NM_015151.4(DIP2A):c.1905C>T (p.Ala635=)

Gene: DIP2A (DIP2 acetate--CoA ligase A; plus strand). Cytogenetic location: 21q22.3.
Variant type: single nucleotide variant.
Coding change: c.1905C>T on transcript NM_015151.4 (MANE Select); coding-DNA position 1905, C replaced by T.
Protein change: p.Ala635=; no amino-acid change (alanine 635 retained).
Molecular consequence: synonymous variant.
Genome position (GRCh38, 1-based): chr21:46,538,586, C>T. VCF-style: chr21-46538586-C-T. GRCh37 (hg19) VCF-style: chr21-47958499-C-T.
Other names: c.1776C>T, p.Ala592= (NM_001146115.2); c.1893C>T, p.Ala631= (NM_001146116.2); c.1908C>T, p.Ala636= (NM_001353942.2); c.1905C>T, p.Ala635= (NM_001353943.2, NM_001410751.1, NM_206889.3 and 2 more transcripts); c.1656C>T, p.Ala552= (NM_001353944.2).
Identifiers: ClinVar variation 4681321 (VCV004681321.5).